The following is an entry in ClinVar:

ClinVar aggregate classification (germline): Uncertain significance (0 of 4 stars; one submission).

Conditions:
MORC2-related disorder. Also called: MORC2-related condition.

Submission:

PreventionGenetics, part of Exact Sciences
Classification: Uncertain significance for MORC2-related condition. Last evaluated: 2024-07-10. Review status: no assertion criteria provided. Collection method: clinical testing. Allele origin: germline.
Comment: The MORC2 c.2836C>T variant is predicted to result in the amino acid substitution p.Pro946Ser. To our knowledge, this variant has not been reported in the literature or in a large population database, indicating this variant is rare. At this time, the clinical significance of this variant is uncertain due to the absence of conclusive functional and genetic evidence.

NM_001303256.3(MORC2):c.2836C>T (p.Pro946Ser)

Gene: MORC2 (MORC family CW-type zinc finger 2; minus strand). Cytogenetic location: 22q12.2.
Variant type: single nucleotide variant.
Coding change: c.2836C>T on transcript NM_001303256.3 (MANE Select); coding-DNA position 2836, C replaced by T.
Protein change: p.Pro946Ser; replaces proline 946 with serine.
Molecular consequence: missense variant.
Genome position (GRCh38, 1-based): chr22:30,932,364, G>A on the plus strand (C>T on the coding strand, the complement: MORC2 is on the minus strand). VCF-style: chr22-30932364-G-A. GRCh37 (hg19) VCF-style: chr22-31328351-G-A.
Other names: c.2836C>T, p.Pro946Ser (NM_001303257.2); c.2650C>T, p.Pro884Ser (NM_014941.3); short protein forms P884S, P946S.
Identifiers: ClinVar variation 3344348 (VCV003344348.1).